The following is an entry in ClinVar:

ClinVar aggregate classification (germline): Uncertain significance (1 of 4 stars; one submission).

Conditions:
Cryopyrin associated periodic syndrome (CAPS). Identifiers: Orphanet 208650, MedGen C2316212, MONDO:0016168.

Submission:

Labcorp Genetics (formerly Invitae), Labcorp
Classification: Uncertain significance for Cryopyrin associated periodic syndrome. Last evaluated: 2023-02-06. Review status: criteria provided, single submitter. Criteria: Invitae Variant Classification Sherloc (09022015). Collection method: clinical testing. Allele origin: germline.
Comment: This sequence change replaces glutamic acid, which is acidic and polar, with glycine, which is neutral and non-polar, at codon 217 of the NLRP3 protein (p.Glu217Gly). This variant is not present in population databases (gnomAD no frequency). This variant has not been reported in the literature in individuals affected with NLRP3-related conditions. ClinVar contains an entry for this variant (Variation ID: 1440132). Algorithms developed to predict the effect of missense changes on protein structure and function (SIFT, PolyPhen-2, Align-GVGD) all suggest that this variant is likely to be tolerated. In summary, the available evidence is currently insufficient to determine the role of this variant in disease. Therefore, it has been classified as a Variant of Uncertain Significance.

NM_001243133.2(NLRP3):c.644A>G (p.Glu215Gly)

Gene: NLRP3 (NLR family pyrin domain containing 3; plus strand). Cytogenetic location: 1q44.
Variant type: single nucleotide variant.
Coding change: c.644A>G on transcript NM_001243133.2 (MANE Select); coding-DNA position 644, A replaced by G.
Protein change: p.Glu215Gly; replaces glutamic acid 215 with glycine.
Molecular consequence: missense variant.
Genome position (GRCh38, 1-based): chr1:247,424,093, A>G. VCF-style: chr1-247424093-A-G. GRCh37 (hg19) VCF-style: chr1-247587395-A-G.
Other names: c.644A>G, p.Glu215Gly (NM_001079821.3, NM_001127461.3, NM_001127462.3 and 1 more transcripts); c.650A>G, p.Glu217Gly (NM_004895.5); short protein forms E215G, E217G.
Identifiers: ClinVar variation 1440132 (VCV001440132.8), dbSNP rs2103106447, ClinGen allele CA345555113.